The following is an entry in ClinVar:

NM_001371986.1(UNC80):c.2237G>A (p.Gly746Glu)

Gene: UNC80 (unc-80 homolog, NALCN channel complex subunit; plus strand). Cytogenetic location: 2q34.
Variant type: single nucleotide variant.
Coding change: c.2237G>A on transcript NM_001371986.1 (MANE Select); coding-DNA position 2237, G replaced by A.
Protein change: p.Gly746Glu; replaces glycine 746 with glutamic acid.
Molecular consequence: missense variant.
Genome position (GRCh38, 1-based): chr2:209,820,585, G>A. VCF-style: chr2-209820585-G-A. GRCh37 (hg19) VCF-style: chr2-210685309-G-A.
Other names: c.2237G>A, p.Gly746Glu (NM_032504.2, NM_182587.4); short protein forms G746E.
Identifiers: ClinVar variation 1356099 (VCV001356099.4), dbSNP rs767468494, ClinGen allele CA2083003.

ClinVar aggregate classification (germline): Uncertain significance (1 of 4 stars; one submission).

Allele frequency attached by ClinVar (database versions not stated): gnomAD exomes 0.00001 and 0.00004; ExAC 0.00009; gnomAD 0.00011 and 0.00012; TOPMed 0.00012.
gnomAD v4.1: 30 of 1,551,636 alleles (0.0019%); highest among the groups gnomAD compares: African/African-American, 0.033%; no homozygotes.

Submission:

Labcorp Genetics (formerly Invitae), Labcorp
Classification: Uncertain significance. Last evaluated: 2023-07-17. Review status: criteria provided, single submitter. Criteria: Invitae Variant Classification Sherloc (09022015). Collection method: clinical testing. Allele origin: germline.
Comment: In summary, the available evidence is currently insufficient to determine the role of this variant in disease. Therefore, it has been classified as a Variant of Uncertain Significance. This sequence change replaces glycine, which is neutral and non-polar, with glutamic acid, which is acidic and polar, at codon 746 of the UNC80 protein (p.Gly746Glu). The frequency data for this variant in the population databases is considered unreliable, as metrics indicate poor data quality at this position in the gnomAD database. This variant has not been reported in the literature in individuals affected with UNC80-related conditions. ClinVar contains an entry for this variant (Variation ID: 1356099). An algorithm developed to predict the effect of missense changes on protein structure and function (PolyPhen-2) suggests that this variant is likely to be disruptive.